The following is an entry in ClinVar:

ClinVar aggregate classification (germline): Benign (1 of 4 stars; one submission).

Allele frequency attached by ClinVar (database versions not stated): gnomAD 0.61203 and 0.61709; TOPMed 0.61688; 1000 Genomes Project 30x 0.65834; 1000 Genomes Project 0.66793.
gnomAD v4.1: 93,642 of 151,620 alleles (62%); highest among the groups gnomAD compares: East Asian, 80%; 29,156 homozygotes.

Submission:

GeneDx
Classification: Benign. Last evaluated: 2018-06-14. Review status: criteria provided, single submitter. Criteria: GeneDx Variant Classification (06012015). Collection method: clinical testing. Allele origin: germline. Affected: yes.
Comment: This variant is considered likely benign or benign based on one or more of the following criteria: it is a conservative change, it occurs at a poorly conserved position in the protein, it is predicted to be benign by multiple in silico algorithms, and/or has population frequency not consistent with disease.

NM_020297.4(ABCC9):c.1012-276A>G

Gene: ABCC9 (ATP binding cassette subfamily C member 9; minus strand). Cytogenetic location: 12p12.1.
Variant type: single nucleotide variant.
Coding change: c.1012-276A>G on transcript NM_020297.4 (MANE Select); 276 bases into the intron before coding-DNA position 1012, A replaced by G.
Molecular consequence: intron variant.
Genome position (GRCh38, 1-based): chr12:21,911,254, T>C on the plus strand (A>G on the coding strand, the complement: ABCC9 is on the minus strand). VCF-style: chr12-21911254-T-C. GRCh37 (hg19) VCF-style: chr12-22064188-T-C.
Other names: c.148-276A>G (NM_001377274.1); c.1012-276A>G (NM_005691.4, NM_001377273.1).
Identifiers: ClinVar variation 681187 (VCV000681187.1), dbSNP rs2418021, ClinGen allele CA233610311.